The following is an entry in ClinVar:

ClinVar aggregate classification (germline): Conflicting classifications of pathogenicity. Review status: criteria provided, conflicting classifications (1 of 4 stars). 4 submissions from 4 submitters: Uncertain significance (2); Likely benign (1). 1 of the submissions does not count toward it. Last evaluated 2025-12-08.

Conditions:
LTBP3-related disorder. Also called: LTBP3-related condition.
Inborn genetic diseases. Identifiers: MedGen C0950123, MeSH D030342.
Brachyolmia-amelogenesis imperfecta syndrome. Also called: Tooth agenesis, selective, 6; Dental anomalies and short stature; PLATYSPONDYLY WITH AMELOGENESIS IMPERFECTA. Identifiers: Orphanet 2899, MedGen C1832594, MONDO:0011018, OMIM 601216. Disease mechanism: loss of function.

Allele frequency attached by ClinVar (database versions not stated): gnomAD exomes 0.00001 and 0.00004; ExAC 0.00003; gnomAD 0.00007 and 0.00008; ESP Exome Variant Server 0.00008; TOPMed 0.00008.
gnomAD v4.1: 24 of 1,614,034 alleles (0.0015%); highest among the groups gnomAD compares: African/African-American, 0.023%; no homozygotes.

Submissions (4):

Labcorp Genetics (formerly Invitae), Labcorp
Classification: Uncertain significance for Brachyolmia-amelogenesis imperfecta syndrome. Last evaluated: 2025-12-08. Review status: criteria provided, single submitter. Criteria: Invitae Variant Classification Sherloc (09022015). Collection method: clinical testing. Allele origin: germline.
Comment: This sequence change replaces isoleucine, which is neutral and non-polar, with valine, which is neutral and non-polar, at codon 395 of the LTBP3 protein (p.Ile395Val). This variant is present in population databases (rs374667397, gnomAD 0.03%). This variant has not been reported in the literature in individuals affected with LTBP3-related conditions. ClinVar contains an entry for this variant (Variation ID: 1224472). An algorithm developed to predict the effect of missense changes on protein structure and function (PolyPhen-2) suggests that this variant is likely to be tolerated. Algorithms developed to predict the effect of sequence changes on RNA splicing suggest that this variant may disrupt the consensus splice site. In summary, the available evidence is currently insufficient to determine the role of this variant in disease. Therefore, it has been classified as a Variant of Uncertain Significance.

Blueprint Genetics
Classification: Likely benign. Last evaluated: 2024-10-03. Review status: criteria provided, single submitter. Criteria: ACMG Guidelines, 2015. Collection method: clinical testing. Allele origin: germline.

Ambry Genetics
Classification: Uncertain significance for Inborn genetic diseases. Last evaluated: 2024-03-04. Review status: criteria provided, single submitter. Criteria: Ambry Variant Classification Scheme 2023. Collection method: clinical testing. Allele origin: germline.
Comment: The p.I395V variant (also known as c.1183A>G), located in coding exon 6 of the LTBP3 gene, results from an A to G substitution at nucleotide position 1183. The isoleucine at codon 395 is replaced by valine, an amino acid with highly similar properties. This amino acid position is conserved. In addition, this alteration is predicted to be tolerated by in silico analysis. Since supporting evidence is limited at this time, the clinical significance of this alteration remains unclear.

PreventionGenetics, part of Exact Sciences
Classification: Uncertain significance for LTBP3-related condition. Last evaluated: 2024-02-19. Review status: no assertion criteria provided. Collection method: clinical testing. Allele origin: germline. Not counted in ClinVar's aggregate classification.
Comment: The LTBP3 c.1183A>G variant is predicted to result in the amino acid substitution p.Ile395Val. To our knowledge, this variant has not been reported in the literature. This variant is reported in 0.028% of alleles in individuals of African descent in gnomAD. At this time, the clinical significance of this variant is uncertain due to the absence of conclusive functional and genetic evidence.

NM_001130144.3(LTBP3):c.1183A>G (p.Ile395Val)

Gene: LTBP3 (latent transforming growth factor beta binding protein 3; minus strand). Cytogenetic location: 11q13.1.
Variant type: single nucleotide variant.
Coding change: c.1183A>G on transcript NM_001130144.3 (MANE Select); coding-DNA position 1183, A replaced by G.
Protein change: p.Ile395Val; replaces isoleucine 395 with valine.
Molecular consequence: missense variant.
Genome position (GRCh38, 1-based): chr11:65,552,863, T>C on the plus strand (A>G on the coding strand, the complement: LTBP3 is on the minus strand). VCF-style: chr11-65552863-T-C. GRCh37 (hg19) VCF-style: chr11-65320334-T-C.
Other names: c.832A>G, p.Ile278Val (NM_001164266.1); c.1183A>G, p.Ile395Val (NM_021070.4); short protein forms I278V, I395V.
Identifiers: ClinVar variation 1224472 (VCV001224472.14), dbSNP rs374667397, ClinGen allele CA6101052.
Genomic context (GRCh38, chr11:65,552,863, plus strand): 5'-ATCCTTGCTCCCACCCATGCCTTGTGACCTCCCAGGAACCTGAGCCCCAGGTCTCACCAA[T>C]GCACTGTGTACGGGAGGGGCCTAAACTATGGCCAGGTGGGCAGACACAGCGATAGGAGCC-3'
Protein context (NP_001123616.1, residues 385-405): HSLGPSRTQC[Ile395Val]ADKPEEKSLC